The following is an entry in ClinVar:

ClinVar aggregate classification (germline): Likely pathogenic (1 of 4 stars; one submission).

gnomAD v4.1: 2 of 1,613,920 alleles (0.00012%); highest among the groups gnomAD compares: Middle Eastern, 0.017%; no homozygotes.

Submission:

Labcorp Genetics (formerly Invitae), Labcorp
Classification: Likely pathogenic. Last evaluated: 2025-11-18. Review status: criteria provided, single submitter. Criteria: Invitae Variant Classification Sherloc (09022015). Collection method: clinical testing. Allele origin: germline.
Comment: This sequence change replaces arginine, which is basic and polar, with leucine, which is neutral and non-polar, at codon 613 of the MUT protein (p.Arg613Leu). This variant is not present in population databases (gnomAD no frequency). This variant has not been reported in the literature in individuals affected with MUT-related conditions. Invitae Evidence Modeling of protein sequence and biophysical properties (such as structural, functional, and spatial information, amino acid conservation, physicochemical variation, residue mobility, and thermodynamic stability) indicates that this missense variant is expected to disrupt MUT protein function with a positive predictive value of 95%. This variant disrupts the p.Arg613 amino acid residue in MUT. Other variant(s) that disrupt this residue have been determined to be pathogenic (internal data). This suggests that this residue is clinically significant, and that variants that disrupt this residue are likely to be disease-causing. In summary, the currently available evidence indicates that the variant is pathogenic, but additional data are needed to prove that conclusively. Therefore, this variant has been classified as Likely Pathogenic.

NM_000255.4(MMUT):c.1838G>T (p.Arg613Leu)

Gene: MMUT (methylmalonyl-CoA mutase; minus strand). Cytogenetic location: 6p12.3.
Variant type: single nucleotide variant.
Coding change: c.1838G>T on transcript NM_000255.4 (MANE Select); coding-DNA position 1838, G replaced by T.
Protein change: p.Arg613Leu; replaces arginine 613 with leucine.
Molecular consequence: missense variant.
Genome position (GRCh38, 1-based): chr6:49,440,324, C>A on the plus strand (G>T on the coding strand, the complement: MMUT is on the minus strand). VCF-style: chr6-49440324-C-A. GRCh37 (hg19) VCF-style: chr6-49408037-C-A.
Other names: short protein forms R613L.
Identifiers: ClinVar variation 4752812 (VCV004752812.1).